The following is an entry in ClinVar:

NM_004415.4(DSP):c.5812G>C (p.Glu1938Gln)

Gene: DSP (desmoplakin; plus strand). Cytogenetic location: 6p24.3.
Variant type: single nucleotide variant.
Coding change: c.5812G>C on transcript NM_004415.4 (MANE Select); coding-DNA position 5812, G replaced by C.
Protein change: p.Glu1938Gln; replaces glutamic acid 1938 with glutamine.
Molecular consequence: missense variant.
Genome position (GRCh38, 1-based): chr6:7,583,074, G>C. VCF-style: chr6-7583074-G-C. GRCh37 (hg19) VCF-style: chr6-7583307-G-C.
Other names: c.4015G>C, p.Glu1339Gln (NM_001008844.3); c.4483G>C, p.Glu1495Gln (NM_001319034.2); short protein forms E1339Q, E1495Q, E1938Q.
Identifiers: ClinVar variation 3072235 (VCV003072235.1), dbSNP rs2533937710, ClinGen allele CA362689464.

ClinVar aggregate classification (germline): Uncertain significance (1 of 4 stars; one submission).

Conditions:
Arrhythmogenic cardiomyopathy with wooly hair and keratoderma. Also called: PALMOPLANTAR KERATODERMA WITH LEFT VENTRICULAR CARDIOMYOPATHY AND WOOLLY HAIR; Carvajal syndrome; Dilated cardiomyopathy with woolly hair and keratoderma; Arrhythmogenic cardiomyopathy with woolly hair and keratoderma. Identifiers: Orphanet 65282, MedGen C1854063, MONDO:0011581, OMIM 605676.

Submission:

All of Us Research Program, National Institutes of Health
Classification: Uncertain significance for Arrhythmogenic cardiomyopathy with wooly hair and keratoderma. Last evaluated: 2023-06-26. Review status: criteria provided, single submitter. Criteria: ACMG Guidelines, 2015. Collection method: clinical testing. Allele origin: germline. Inheritance: Autosomal dominant inheritance. Observed: 1 variant allele, 1 heterozygote.
Comment: This missense variant replaces glutamic acid with glutamine at codon 1938 of the DSP protein. Computational prediction suggests that this variant may not impact protein structure and function (internally defined REVEL score threshold <= 0.5, PMID: 27666373). To our knowledge, functional studies have not been reported for this variant. This variant has not been reported in individuals affected with DSP-related disorders in the literature. This variant has not been identified in the general population by the Genome Aggregation Database (gnomAD). The available evidence is insufficient to determine the role of this variant in disease conclusively. Therefore, this variant is classified as a Variant of Uncertain Significance.

This study involves interpretation of variants in research participants for the purpose of population health screening. Participant phenotype was not available at the time of variant classification. Additional details can be found in publication PMID: 35346344, PMCID: PMC8962531